The following is an entry in ClinVar:

NM_001005273.3(CHD3):c.3505C>T (p.Arg1169Trp)

Gene: CHD3 (chromodomain helicase DNA binding protein 3; plus strand). Cytogenetic location: 17p13.1.
Variant type: single nucleotide variant.
Coding change: c.3505C>T on transcript NM_001005273.3 (MANE Select); coding-DNA position 3505, C replaced by T.
Protein change: p.Arg1169Trp; replaces arginine 1169 with tryptophan.
Molecular consequence: missense variant.
Genome position (GRCh38, 1-based): chr17:7,903,281, C>T. VCF-style: chr17-7903281-C-T. GRCh37 (hg19) VCF-style: chr17-7806599-C-T.
Other names: p.Arg1169Trp; c.3682C>T, p.Arg1228Trp (NM_001005271.3); c.3505C>T, p.Arg1169Trp (NM_005852.4); short protein forms R1169W, R1228W.
Identifiers: ClinVar variation 549741 (VCV000549741.42), dbSNP rs1567861468, ClinGen allele CA397942050.

ClinVar aggregate classification (germline): Pathogenic. Review status: criteria provided, multiple submitters, no conflicts (2 of 4 stars). 9 submissions from 9 submitters: Pathogenic (7). 2 of the submissions do not count toward it. Last evaluated 2023-04-10.

Conditions:
Snijders Blok-Campeau syndrome. Also called: INTELLECTUAL DEVELOPMENTAL DISORDER WITH MACROCEPHALY, SPEECH DELAY, AND DYSMORPHIC FACIES. Identifiers: Orphanet 599082, MedGen C4748701, MONDO:0032600, OMIM 618205.
Intellectual disability. Also called: Intellectual functioning disability; intellectual disabilities; Intellectual developmental disorder. Identifiers: MedGen C3714756, MeSH D008607, MONDO:0001071, HP:0001249.
Inborn genetic diseases. Identifiers: MedGen C0950123, MeSH D030342.

Submissions (9):

Foundation for Research in Genetics and Endocrinology, FRIGE's Institute of Human Genetics
Classification: Pathogenic for Snijders Blok-Campeau syndrome. Last evaluated: 2023-04-10. Review status: criteria provided, single submitter. Criteria: ACMG Guidelines, 2015. Collection method: clinical testing. Allele origin: germline. Inheritance: Autosomal dominant inheritance. Affected: yes. Observed: 1 heterozygote.
Comment: A heterozygous missense variant in Exon 23 of the CHD3 gene that results in the amino acid substitution of Tryptophan for Arginine at codon 1169 (p.Arg1169Trp) was detected. The observed variant has previously been reported in patients affected with neurodevelopmental syndrome with macrocephaly and impaired speech and language [PMID:30397230, 29463886]. The p.Arg1169Trp variant has not been reported in the 1000 genomes, gnomAD (v3.1), gnomdAD (v2) and topmed databases. The in silico predictions of the variant are probably damaging by PolyPhen-2 (HumDiv) and damaging by SIFT, LRT and MutationTaster2. The reference codon is conserved across species. In summary, the variant meets our criteria to be classified as pathogenic.

CeGaT Center for Human Genetics Tuebingen
Classification: Pathogenic. Last evaluated: 2022-10-01. Review status: criteria provided, single submitter. Criteria: CeGaT Center For Human Genetics Tuebingen Variant Classification Criteria Version 2. Collection method: clinical testing. Allele origin: germline. Affected: yes. Observed: 1 variant allele.
Comment: CHD3: PS2, PM2, PS4:Moderate, PP2, PP3

3billion
Classification: Pathogenic for Snijders Blok-Campeau syndrome. Last evaluated: 2022-09-01. Review status: criteria provided, single submitter. Criteria: ACMG Guidelines, 2015. Collection method: clinical testing. Allele origin: germline. Affected: yes. Observed: 1 heterozygote.
Comment: The variant is not observed in the gnomAD v2.1.1 dataset. It is located in a mutational hot spot and/or well-established functional domain in which established pathogenic variants have been reported. Missense changes are a common disease-causing mechanism. In silico tool predictions suggest damaging effect of the variant on gene or gene product (REVEL: 0.90; 3Cnet: NA). Same nucleotide change resulting in same amino acid change has been previously reported as pathogenic/likely pathogenic with strong evidence (ClinVar ID: VCV000549741). Therefore, this variant is classified as Pathogenic according to the recommendation of ACMG/AMP guideline.

GeneDx
Classification: Pathogenic. Last evaluated: 2021-12-20. Review status: criteria provided, single submitter. Criteria: GeneDx Variant Classification Process June 2021. Collection method: clinical testing. Allele origin: germline. Affected: yes.
Comment: Multiple pathogenic missense variants at this residue (p.R1228L and p.R1228P) have been reported at GeneDx association with a CHD3-related disorder; Not observed at significant frequency in large population cohorts (Lek et al., 2016); In silico analysis supports that this missense variant has a deleterious effect on protein structure/function; This variant is associated with the following publications: (PMID: 28135719, 29463886, 30397230, 31785789, 27535533)

Ambry Genetics
Classification: Pathogenic for Inborn genetic diseases. Last evaluated: 2021-08-25. Review status: criteria provided, single submitter. Criteria: Ambry Variant Classification Scheme 2023. Collection method: clinical testing. Allele origin: germline.
Comment: The c.3682C>T (p.R1228W) alteration is located in coding exon 23 of the CHD3 gene. This alteration results from a C to T substitution at nucleotide position 3682, causing the arginine (R) at amino acid position 1228 to be replaced by a tryptophan (W). This variant was not reported in population-based cohorts in the Genome Aggregation Database (gnomAD). This alteration (also referred to as p.R1169W in the literature) has been reported de novo in a patient from a cohort of individuals with developmental disorders (DDD, 2017) and in another patient with speech disorder characterized as childhood apraxia of speech who was later found to have intellectual disability (Eising, 2018; Snijders Blok, 2018). This amino acid position is highly conserved in available vertebrate species. The p.R1228W amino acid is located in the SNF2-like ATPase/helicase domain, which consists of two subdomains; a helicase ATP-binding lobe and C-terminal lobe. The majority of mutations have been observed to cluster within or around this domain. This domain uses ATPase activity to provide energy for nucleosome remodeling (Snijders Blok, 2018). This alteration is predicted to be deleterious by in silico analysis. Based on the available evidence, this alteration is classified as pathogenic.

Mendelics
Classification: Pathogenic for Snijders Blok-Campeau syndrome. Last evaluated: 2019-05-28. Review status: criteria provided, single submitter. Criteria: Mendelics Assertion Criteria 2017. Collection method: clinical testing. Allele origin: unknown.

SIB Swiss Institute of Bioinformatics
Classification: Pathogenic for Snijders Blok-Campeau syndrome. Last evaluated: 2019-02-19. Review status: criteria provided, single submitter. Criteria: ACMG Guidelines, 2015. Collection method: curation. Allele origin: unknown.
Comment: This variant is interpreted as a Pathogenic for Snijders Blok-Campeau syndrome, autosomal dominant. The following ACMG Tag(s) were applied: PM2 : Absent from controls (or at extremely low frequency if recessive) in Exome Sequencing Project, 1000 Genomes Project, or Exome Aggregation Consortium. PM6-Strong : Multiple de novo occurrences, but without confirmation of paternity and maternity (PMID:30397230; 29463886). PM1-supporting : PM1 downgraded in strength to Supporting. PP2 : Missense variant in a gene that has a low rate of benign missense variation and in which missense variants are a common mechanism of disease. PP3 : Multiple lines of computational evidence support a deleterious effect on the gene or gene product. PS4-Moderate : PS4 downgraded in strength to Moderate (PMID:30397230; 29463886).

OMIM
Classification: Pathogenic for SNIJDERS BLOK-CAMPEAU SYNDROME. Last evaluated: 2019-06-24. Review status: no assertion criteria provided. Collection method: literature only. Allele origin: germline. Not counted in ClinVar's aggregate classification.

CHU Sainte-Justine Research Center, University of Montreal
Classification: Likely pathogenic for Intellectual disability. Last evaluated: 2018-05-03. Review status: no assertion criteria provided. Collection method: research. Allele origin: germline. Affected: yes. Not counted in ClinVar's aggregate classification.

Literature cited by the submitters: PubMed 28135719 (cited by Ambry Genetics); PubMed 29463886 (cited by 3 submitters); PubMed 30397230 (cited by Ambry Genetics and SIB Swiss Institute of Bioinformatics).